The following is an entry in ClinVar:

NM_003690.5(PRKRA):c.795C>A (p.Ser265Arg)

Genes: CHROMR (cholesterol induced regulator of metabolism RNA; plus strand), PRKRA (protein activator of interferon induced protein kinase EIF2AK2; minus strand). Cytogenetic location: 2q31.2.
Variant type: single nucleotide variant.
Coding change: c.795C>A on transcript NM_003690.5 (MANE Select); coding-DNA position 795, C replaced by A.
Protein change: p.Ser265Arg; replaces serine 265 with arginine.
Molecular consequence: missense variant.
Genome position (GRCh38, 1-based): chr2:178,432,244, G>T on the plus strand (C>A on the coding strand, the complement: PRKRA is on the minus strand). VCF-style: chr2-178432244-G-T. GRCh37 (hg19) VCF-style: chr2-179296971-G-T.
Other names: c.762C>A, p.Ser254Arg (NM_001139517.2); c.720C>A, p.Ser240Arg (NM_001139518.2); c.456C>A, p.Ser152Arg (NM_001316362.2); short protein forms S265R, S152R, S240R, S254R.
Identifiers: ClinVar variation 1365242 (VCV001365242.4), dbSNP rs150679361, ClinGen allele CA349399448.

ClinVar aggregate classification (germline): Uncertain significance (1 of 4 stars; one submission).

Conditions:
Dystonia 16 (DYT16). Also called: DYT-PRKRA. Identifiers: Orphanet 210571, MedGen C2677567, MONDO:0012789, OMIM 612067.

gnomAD v4.1: 3 of 1,614,182 alleles (0.00019%); highest among the groups gnomAD compares: Admixed American, 0.0017%; no homozygotes.

Submission:

Labcorp Genetics (formerly Invitae), Labcorp
Classification: Uncertain significance for Dystonia 16. Last evaluated: 2021-08-24. Review status: criteria provided, single submitter. Criteria: Invitae Variant Classification Sherloc (09022015). Collection method: clinical testing. Allele origin: germline.
Comment: In summary, the available evidence is currently insufficient to determine the role of this variant in disease. Therefore, it has been classified as a Variant of Uncertain Significance. Algorithms developed to predict the effect of missense changes on protein structure and function are either unavailable or do not agree on the potential impact of this missense change (SIFT: "Tolerated"; PolyPhen-2: "Probably Damaging"; Align-GVGD: "Class C0"). This missense change has been observed in individual(s) with idiopathic dystonia (PMID: 29279192). This variant is not present in population databases (ExAC no frequency). This sequence change replaces serine with arginine at codon 265 of the PRKRA protein (p.Ser265Arg). The serine residue is moderately conserved and there is a moderate physicochemical difference between serine and arginine.

Literature cited by the submitters: PubMed 29279192.